The following is an entry in ClinVar:

ClinVar aggregate classification (germline): Uncertain significance. Review status: criteria provided, multiple submitters, no conflicts (2 of 4 stars). 2 submissions from 2 submitters: Uncertain significance (2). Last evaluated 2026-02-10.

Conditions:
Atransferrinemia. Also called: Familial hypotransferrinemia. Identifiers: Orphanet 1195, MedGen C0521802, MONDO:0008846, OMIM 209300, HP:0012239.

Allele frequency attached by ClinVar (database versions not stated): ExAC 0.00001; gnomAD exomes 0.00001.
gnomAD v4.1: 3 of 1,614,248 alleles (0.00019%); highest among the groups gnomAD compares: East Asian, 0.0067%; no homozygotes.

Submissions (2):

Myriad Genetics, Inc.
Classification: Uncertain significance for Atransferrinemia. Last evaluated: 2026-02-10. Review status: criteria provided, single submitter. Criteria: Myriad Autosomal Dominant, Autosomal Recessive and X-Linked Classification Criteria (2023). Collection method: clinical testing. Allele origin: unknown.
Comment: NM_001063.3(TF):c.1424G>A(R475K) is a missense variant classified as a variant of uncertain significance in the context of atransferrinemia. R475K has not been observed in cases with relevant disease. Relevant functional assessments of this variant are not available in the literature. R475K has been observed in referenced population frequency databases. In summary, there is insufficient evidence to classify NM_001063.3(TF):c.1424G>A(R475K) as pathogenic or benign. Please note: this variant was assessed in the context of healthy population screening.

Ambry Genetics
Classification: Uncertain significance. Last evaluated: 2023-12-22. Review status: criteria provided, single submitter. Criteria: Ambry Variant Classification Scheme 2023. Collection method: clinical testing. Allele origin: germline.

NM_001063.4(TF):c.1424G>A (p.Arg475Lys)

Gene: TF (transferrin; plus strand). Cytogenetic location: 3q22.1.
Variant type: single nucleotide variant.
Coding change: c.1424G>A on transcript NM_001063.4 (MANE Select); coding-DNA position 1424, G replaced by A.
Protein change: p.Arg475Lys; replaces arginine 475 with lysine.
Molecular consequence: missense variant.
Genome position (GRCh38, 1-based): chr3:133,766,371, G>A. VCF-style: chr3-133766371-G-A. GRCh37 (hg19) VCF-style: chr3-133485215-G-A.
Other names: c.1292G>A, p.Arg431Lys (NM_001354703.2); c.1043G>A, p.Arg348Lys (NM_001354704.2); short protein forms R431K, R475K, R348K.
Identifiers: ClinVar variation 3176433 (VCV003176433.2), dbSNP rs750204646, ClinGen allele CA2625295.